The following is an entry in ClinVar:

NM_000321.3(RB1):c.2046C>G (p.Thr682=)

Gene: RB1 (RB transcriptional corepressor 1; plus strand). Cytogenetic location: 13q14.2.
Variant type: single nucleotide variant.
Coding change: c.2046C>G on transcript NM_000321.3 (MANE Select); coding-DNA position 2046, C replaced by G.
Protein change: p.Thr682=; no amino-acid change (threonine 682 retained).
Molecular consequence: synonymous variant.
Genome position (GRCh38, 1-based): chr13:48,459,773, C>G. VCF-style: chr13-48459773-C-G. GRCh37 (hg19) VCF-style: chr13-49033909-C-G.
Identifiers: ClinVar variation 527947 (VCV000527947.11), dbSNP rs994129583, ClinGen allele CA483559027.

ClinVar aggregate classification (germline): Benign/Likely benign. Review status: criteria provided, multiple submitters, no conflicts (2 of 4 stars). 3 submissions from 3 submitters: Benign (1); Likely benign (2). Last evaluated 2026-06-25.

Conditions:
Retinoblastoma (RB1). Also called: RETINOBLASTOMA, SOMATIC. Identifiers: Orphanet 790, MedGen C0035335, MeSH D012175, MONDO:0008380, OMIM 180200, HP:0009919. Disease mechanism: loss of function. Inheritance: Both sporadic and heritable forms are tested..
Hereditary cancer-predisposing syndrome. Also called: Neoplastic Syndromes, Hereditary; Hereditary Cancer Syndrome; Hereditary neoplastic syndrome; Tumor predisposition. Identifiers: Orphanet 140162, MedGen C0027672, MeSH D009386, MONDO:0015356.

Allele frequency attached by ClinVar (database versions not stated): gnomAD exomes below 0.00001.
gnomAD v4.1: 2 of 1,613,816 alleles (0.00012%); highest among the groups gnomAD compares: Non-Finnish European, 0.00017%; no homozygotes.

Submissions (3):

Myriad Genetics, Inc.
Classification: Benign for Retinoblastoma. Last evaluated: 2026-06-25. Review status: criteria provided, single submitter. Criteria: Myriad Autosomal Dominant, Autosomal Recessive and X-Linked Classification Criteria (2023). Collection method: clinical testing. Allele origin: unknown.
Comment: This variant is considered benign. This variant is a silent/synonymous amino acid change and it is not expected to impact splicing.

Ambry Genetics
Classification: Likely benign for Hereditary cancer-predisposing syndrome. Last evaluated: 2023-08-29. Review status: criteria provided, single submitter. Criteria: Ambry Variant Classification Scheme 2023. Collection method: clinical testing. Allele origin: germline.

Labcorp Genetics (formerly Invitae), Labcorp
Classification: Likely benign for Retinoblastoma. Last evaluated: 2017-08-04. Review status: criteria provided, single submitter. Criteria: Invitae Variant Classification Sherloc (09022015). Collection method: clinical testing. Allele origin: germline.